The following is an entry in ClinVar:

NM_003060.4(SLC22A5):c.42G>A (p.Trp14Ter)

Gene: SLC22A5 (solute carrier family 22 member 5; plus strand). Cytogenetic location: 5q31.1.
Variant type: single nucleotide variant.
Coding change: c.42G>A on transcript NM_003060.4 (MANE Select); coding-DNA position 42, G replaced by A.
Protein change: p.Trp14Ter; replaces tryptophan 14 with a stop codon.
Molecular consequence: nonsense.
Genome position (GRCh38, 1-based): chr5:132,370,014, G>A. VCF-style: chr5-132370014-G-A. GRCh37 (hg19) VCF-style: chr5-131705706-G-A.
Other names: p.W14*:TGG>TGA; c.42G>A, p.Trp14Ter (NM_001308122.2); short protein forms W14*.
Identifiers: ClinVar variation 203933 (VCV000203933.7), dbSNP rs796052036, ClinGen allele CA312961.

ClinVar aggregate classification (germline): Pathogenic/Likely pathogenic. Review status: criteria provided, multiple submitters, no conflicts (2 of 4 stars). 3 submissions from 3 submitters: Pathogenic (2); Likely pathogenic (1). Last evaluated 2023-12-21.

Conditions:
Renal carnitine transport defect (CDSP). Also called: Carnitine Deficiency, Systemic; CARNITINE DEFICIENCY, SYSTEMIC, DUE TO DEFECT IN RENAL REABSORPTION OF CARNITINE; CARNITINE TRANSPORTER, PLASMA-MEMBRANE, DEFICIENCY OF; CARNITINE UPTAKE DEFECT; Carnitine transporter deficiency; Systemic primary carnitine deficiency disease. Identifiers: Orphanet 158, MedGen C0342788, MONDO:0008919, OMIM 212140.

Submissions (3):

Labcorp Genetics (formerly Invitae), Labcorp
Classification: Pathogenic for Renal carnitine transport defect. Last evaluated: 2023-12-21. Review status: criteria provided, single submitter. Criteria: Invitae Variant Classification Sherloc (09022015). Collection method: clinical testing. Allele origin: germline.
Comment: This sequence change creates a premature translational stop signal (p.Trp14*) in the SLC22A5 gene. It is expected to result in an absent or disrupted protein product. Loss-of-function variants in SLC22A5 are known to be pathogenic (PMID: 9916797). This variant is not present in population databases (gnomAD no frequency). This premature translational stop signal has been observed in individual(s) with primary carnitine deficiency (PMID: 32371215, 34032155). ClinVar contains an entry for this variant (Variation ID: 203933). For these reasons, this variant has been classified as Pathogenic.

Baylor Genetics
Classification: Likely pathogenic for Renal carnitine transport defect. Last evaluated: 2023-08-16. Review status: criteria provided, single submitter. Criteria: ACMG Guidelines, 2015. Collection method: clinical testing. Allele origin: unknown.

GeneDx
Classification: Pathogenic. Last evaluated: 2021-01-20. Review status: criteria provided, single submitter. Criteria: GeneDx Variant Classification Process June 2021. Collection method: clinical testing. Allele origin: germline. Affected: yes.
Comment: Nonsense variant predicted to result in protein truncation or nonsense mediated decay in a gene for which loss-of-function is a known mechanism of disease; Not observed in large population cohorts (Lek et al., 2016); Identified in a cohort of individuals with primary carntine deficiency (Lin et al., 2020); This variant is associated with the following publications: (PMID: 32371215)

Literature cited by the submitters: PubMed 9916797 (cited by Labcorp Genetics (formerly Invitae), Labcorp); PubMed 32371215 (cited by Labcorp Genetics (formerly Invitae), Labcorp); PubMed 34032155 (cited by Labcorp Genetics (formerly Invitae), Labcorp).